The following is an entry in ClinVar:

NM_003001.5(SDHC):c.224G>A (p.Gly75Asp)

Gene: SDHC (succinate dehydrogenase complex subunit C; plus strand). Cytogenetic location: 1q23.3.
Variant type: single nucleotide variant.
Coding change: c.224G>A on transcript NM_003001.5 (MANE Select); coding-DNA position 224, G replaced by A.
Protein change: p.Gly75Asp; replaces glycine 75 with aspartic acid.
Molecular consequence: missense variant.
Genome position (GRCh38, 1-based): chr1:161,340,638, G>A. VCF-style: chr1-161340638-G-A. GRCh37 (hg19) VCF-style: chr1-161310428-G-A.
Other names: c.224G>A, p.Gly75Asp (NM_001035511.3); c.122G>A, p.Gly41Asp (NM_001035512.3, NM_001278172.3, NM_001407118.1); c.65G>A, p.Gly22Asp (NM_001035513.3); c.344G>A, p.Gly115Asp (NM_001407115.1); c.167G>A, p.Gly56Asp (NM_001407116.1, NM_001407117.1, NM_001407121.1); c.113G>A, p.Gly38Asp (NM_001407119.1, NM_001407120.1); short protein forms G75D, G22D, G41D, G56D, G38D, G115D.
Identifiers: ClinVar variation 189841 (VCV000189841.12), dbSNP rs786205147, ClinGen allele CA016245.

ClinVar aggregate classification (germline): Pathogenic/Likely pathogenic. Review status: criteria provided, multiple submitters, no conflicts (2 of 4 stars). 3 submissions from 3 submitters: Pathogenic (1); Likely pathogenic (1). 1 of the submissions does not count toward it. Last evaluated 2026-01-10.

Conditions:
Pheochromocytoma/paraganglioma syndrome 3. Also called: GLOMUS TUMORS, FAMILIAL, 3; SDHC-Related Hereditary Paraganglioma-Pheochromocytoma Syndrome (Paragangliomas 3); SDHC-Related Hereditary Paraganglioma-Pheochromocytoma Syndrome; Paragangliomas 3. Identifiers: Orphanet 29072, MedGen C1854336, MONDO:0011544, OMIM 605373.
Gastrointestinal stromal tumor. Also called: Gastrointestinal stromal tumor, somatic; Gastrointestinal stroma tumor. Identifiers: Orphanet 44890, MedGen C0238198, MeSH D046152, MONDO:0011719, OMIM 606764, HP:0100723.
Carney triad. Also called: GASTRIC LEIOMYOSARCOMA, PULMONARY CHONDROMA, AND EXTRAADRENAL PARAGANGLIOMA. Identifiers: Orphanet 139411, MedGen C1858592, MONDO:0011424, OMIM 604287.
Hereditary cancer-predisposing syndrome. Also called: Tumor predisposition; Hereditary Cancer Syndrome; Hereditary neoplastic syndrome; Neoplastic Syndromes, Hereditary. Identifiers: Orphanet 140162, MedGen C0027672, MeSH D009386, MONDO:0015356.

Allele frequency attached by ClinVar (database versions not stated): gnomAD exomes below 0.00001.
gnomAD v4.1: 1 of 1,613,770 alleles (0.000062%); highest among the groups gnomAD compares: Non-Finnish European, 0.000085%; no homozygotes.

Submissions (3):

Labcorp Genetics (formerly Invitae), Labcorp
Classification: Likely pathogenic for Pheochromocytoma/paraganglioma syndrome 3; Gastrointestinal stromal tumor. Last evaluated: 2026-01-10. Review status: criteria provided, single submitter. Criteria: Invitae Variant Classification Sherloc (09022015). Collection method: clinical testing. Allele origin: germline.
Comment: This sequence change replaces glycine, which is neutral and non-polar, with aspartic acid, which is acidic and polar, at codon 75 of the SDHC protein (p.Gly75Asp). This variant is not present in population databases (gnomAD no frequency). This missense change has been observed in individuals with paraganglioma and condroma (PMID: 19351833, 26173966; internal data). ClinVar contains an entry for this variant (Variation ID: 189841). Invitae Evidence Modeling of protein sequence and biophysical properties (such as structural, functional, and spatial information, amino acid conservation, physicochemical variation, residue mobility, and thermodynamic stability) indicates that this missense variant is expected to disrupt SDHC protein function with a positive predictive value of 95%. In summary, the currently available evidence indicates that the variant is pathogenic, but additional data are needed to prove that conclusively. Therefore, this variant has been classified as Likely Pathogenic.

Ambry Genetics
Classification: Pathogenic for Hereditary cancer-predisposing syndrome. Last evaluated: 2025-08-22. Review status: criteria provided, single submitter. Criteria: Ambry Variant Classification Scheme 2023. Collection method: clinical testing. Allele origin: germline.
Comment: The p.G75D pathogenic mutation (also known as c.224G>A), located in coding exon 4 of the SDHC gene, results from a G to A substitution at nucleotide position 224. The glycine at codon 75 is replaced by aspartic acid, an amino acid with similar properties. In a study of 598 unrelated probands diagnosed with head and neck paraganglioma, this variant was detected in 2 individuals (Neumann HP et al. Cancer Res. 2009 Apr;69:3650-6). This pathogenic variant has also been detected in an individual with Carney triad (Boikos SA et al. Eur. J. Hum. Genet. 2016 Apr;24:569-73). Based on internal structural analysis, this variant is anticipated to result in a decrease in structural stability (Ambry internal data; Zhou Q et al. Protein Cell. 2011 Jul;2:531-42). This variant is considered to be rare based on population cohorts in the Genome Aggregation Database (gnomAD). Based on the supporting evidence, this alteration is interpreted as a disease-causing mutation.

Section on Endocrinology and Genetics, National Institutes of Health / The Eunice Kennedy Shriver National Institute of Child Health and Human Development
Classification: Likely pathogenic for Carney triad. Review status: no assertion criteria provided. Collection method: clinical testing. Allele origin: germline. Affected: yes. Observed: 1 heterozygote. Study: Carney Triad. Not counted in ClinVar's aggregate classification.
Comment: rare cases of SDHx mutations in Carney Triad

Literature cited by the submitters: PubMed 19351833 (cited by Labcorp Genetics (formerly Invitae), Labcorp and Ambry Genetics); PubMed 26173966 (cited by Labcorp Genetics (formerly Invitae), Labcorp and Ambry Genetics); PubMed 21822798 (cited by Ambry Genetics).